The following is an entry in ClinVar:

ClinVar aggregate classification (germline): Likely pathogenic (1 of 4 stars; one submission).

Conditions:
Agenesis of the corpus callosum with peripheral neuropathy (ACCPN). Also called: CHARLEVOIX DISEASE; POLYNEUROPATHY, SENSORIMOTOR, WITH OR WITHOUT AGENESIS OF THE CORPUS CALLOSUM; HMSN/ACC; Hereditary Motor and Sensory Neuropathy with Agenesis of the Corpus Callosum. Identifiers: Orphanet 1496, MedGen C0795950, MONDO:0000902, OMIM 218000. Disease mechanism: loss of function.

Submission:

Myriad Genetics, Inc.
Classification: Likely pathogenic for Agenesis of the corpus callosum with peripheral neuropathy. Last evaluated: 2022-03-02. Review status: criteria provided, single submitter. Criteria: Myriad Women's Health Autosomal Recessive and X-Linked Classification Criteria (2021). Collection method: clinical testing. Allele origin: unknown.
Comment: NM_133647.1(SLC12A6):c.3029_3030delAG(E1010Afs*23) is expected to be pathogenic in the context of Andermann syndrome. This variant is predicted to lead to an abnormal or absent protein product due to the creation of a premature termination codon in SLC12A6, a gene where loss-of-function variants are known to be pathogenic. Please note: this variant was assessed in the context of healthy population screening.

NM_001365088.1(SLC12A6):c.3029_3030del (p.Glu1010fs)

Gene: SLC12A6 (solute carrier family 12 member 6; minus strand). Cytogenetic location: 15q14.
Variant type: Microsatellite.
Coding change: c.3029_3030del on transcript NM_001365088.1 (MANE Select); coding-DNA positions 3029 to 3030, 2 bases deleted (AG; older notation c.3029_3030delAG).
Protein change: p.Glu1010fs; shifts the reading frame from glutamic acid 1010.
Molecular consequence: frameshift variant.
Genome position (GRCh38, 1-based): chr15:34,236,720-34,236,721, CT deleted on the plus strand (AG on the coding strand, the reverse complement: SLC12A6 is on the minus strand); deleting any 2 consecutive bases within chr15:34,236,720-34,236,723 gives the same sequence; the c. name uses the placement nearest the transcript's 3' end. VCF-style (leftmost placement, unchanged base first): chr15-34236719-GCT-G. GRCh37 (hg19) VCF-style: chr15-34528920-GCT-G.
Other names: c.2852_2853del, p.Glu951fs (NM_001042494.2, NM_001042495.2); c.3002_3003del, p.Glu1001fs (NM_001042496.2); c.2984_2985del, p.Glu995fs (NM_001042497.2); c.2876_2877del, p.Glu959fs (NM_005135.2); c.3029_3030del, p.Glu1010fs (NM_133647.2); short protein forms E1001fs, E1010fs, E951fs, E959fs, E995fs.
Identifiers: ClinVar variation 1724855 (VCV001724855.2), dbSNP rs1566799570, ClinGen allele CA617184656.